The following is an entry in ClinVar:

ClinVar aggregate classification (germline): Uncertain significance. Review status: criteria provided, multiple submitters, no conflicts (2 of 4 stars). 3 submissions from 3 submitters: Uncertain significance (3). Last evaluated 2024-06-17.

Conditions:
Inborn genetic diseases. Identifiers: MedGen C0950123, MeSH D030342.

Allele frequency attached by ClinVar (database versions not stated): gnomAD exomes 0.00002; TOPMed 0.00002; ExAC 0.00003.
gnomAD v4.1: 26 of 1,614,154 alleles (0.0016%); highest among the groups gnomAD compares: East Asian, 0.0089%; no homozygotes.

Submissions (3):

Ambry Genetics
Classification: Uncertain significance for Inborn genetic diseases. Last evaluated: 2024-06-17. Review status: criteria provided, single submitter. Criteria: Ambry Variant Classification Scheme 2023. Collection method: clinical testing. Allele origin: germline.

CeGaT Center for Human Genetics Tuebingen
Classification: Uncertain significance. Last evaluated: 2024-05-01. Review status: criteria provided, single submitter. Criteria: CeGaT Center For Human Genetics Tuebingen Variant Classification Criteria Version 2. Collection method: clinical testing. Allele origin: germline. Affected: yes. Observed: 1 variant allele.
Comment: LRP2: PM2

Labcorp Genetics (formerly Invitae), Labcorp
Classification: Uncertain significance. Last evaluated: 2022-08-24. Review status: criteria provided, single submitter. Criteria: Invitae Variant Classification Sherloc (09022015). Collection method: clinical testing. Allele origin: germline.
Comment: This sequence change replaces arginine, which is basic and polar, with cysteine, which is neutral and slightly polar, at codon 3498 of the LRP2 protein (p.Arg3498Cys). This variant is present in population databases (rs749628580, gnomAD 0.007%). This variant has not been reported in the literature in individuals affected with LRP2-related conditions. Advanced modeling of protein sequence and biophysical properties (such as structural, functional, and spatial information, amino acid conservation, physicochemical variation, residue mobility, and thermodynamic stability) performed at Invitae indicates that this missense variant is not expected to disrupt LRP2 protein function. In summary, the available evidence is currently insufficient to determine the role of this variant in disease. Therefore, it has been classified as a Variant of Uncertain Significance.

NM_004525.3(LRP2):c.10492C>T (p.Arg3498Cys)

Gene: LRP2 (LDL receptor related protein 2; minus strand). Cytogenetic location: 2q31.1.
Variant type: single nucleotide variant.
Coding change: c.10492C>T on transcript NM_004525.3 (MANE Select); coding-DNA position 10492, C replaced by T.
Protein change: p.Arg3498Cys; replaces arginine 3498 with cysteine.
Molecular consequence: missense variant.
Genome position (GRCh38, 1-based): chr2:169,176,490, G>A on the plus strand (C>T on the coding strand, the complement: LRP2 is on the minus strand). VCF-style: chr2-169176490-G-A. GRCh37 (hg19) VCF-style: chr2-170033000-G-A.
Other names: c.10492C>T (NM_004525.2); short protein forms R3498C.
Identifiers: ClinVar variation 2199831 (VCV002199831.21), dbSNP rs749628580, ClinGen allele CA1953348.
Genomic context (GRCh38, chr2:169,176,490, plus strand): 5'-GGAACTGGGTGCTGGAGCACATGGGCATGCAGTAGGTGCTGCCACTCAGCTGAAGGGTGC[G>A]GAAGTCATCTGGACACTCGCAAGTGAACCCTTTTCCTCCTGGCTTGATGAGGCAGAGATG-3'
Protein context (NP_004516.2, residues 3488-3508): GFTCECPDDF[Arg3498Cys]TLQLSGSTYC